The following is an entry in ClinVar:

NM_001352514.2(HLCS):c.1167G>A (p.Lys389=)

Gene: HLCS (holocarboxylase synthetase; minus strand). Cytogenetic location: 21q22.13.
Variant type: single nucleotide variant.
Coding change: c.1167G>A on transcript NM_001352514.2 (MANE Select); coding-DNA position 1167, G replaced by A.
Protein change: p.Lys389=; no amino-acid change (lysine 389 retained).
Molecular consequence: synonymous variant. On other transcripts: non-coding transcript variant (2).
Genome position (GRCh38, 1-based): chr21:36,936,719, C>T on the plus strand (G>A on the coding strand, the complement: HLCS is on the minus strand). VCF-style: chr21-36936719-C-T. GRCh37 (hg19) VCF-style: chr21-38309019-C-T.
Other names: c.726G>A, p.Lys242= (NM_000411.8, NM_001242784.3, NM_001242785.2 and 4 more transcripts).
Identifiers: ClinVar variation 389798 (VCV000389798.8), dbSNP rs1057523540, ClinGen allele CA16608500.

ClinVar aggregate classification (germline): Likely benign. Review status: criteria provided, multiple submitters, no conflicts (2 of 4 stars). 2 submissions from 2 submitters: Likely benign (2). Last evaluated 2025-09-03.

Conditions:
Holocarboxylase synthetase deficiency. Also called: MULTIPLE CARBOXYLASE DEFICIENCY, EARLY ONSET. Identifiers: Orphanet 79242, MedGen C0268581, MONDO:0009666, OMIM 253270.

Allele frequency attached by ClinVar (database versions not stated): gnomAD exomes 0.00002.
gnomAD v4.1: 14 of 1,614,244 alleles (0.00087%); highest among the groups gnomAD compares: Non-Finnish European, 0.0011%; no homozygotes.

Submissions (2):

Labcorp Genetics (formerly Invitae), Labcorp
Classification: Likely benign for Holocarboxylase synthetase deficiency. Last evaluated: 2025-09-03. Review status: criteria provided, single submitter. Criteria: Invitae Variant Classification Sherloc (09022015). Collection method: clinical testing. Allele origin: germline.

GeneDx
Classification: Likely benign. Last evaluated: 2016-10-14. Review status: criteria provided, single submitter. Criteria: GeneDx Variant Classification (06012015). Collection method: clinical testing. Allele origin: germline. Affected: yes.
Comment: This variant is considered likely benign or benign based on one or more of the following criteria: it is a conservative change, it occurs at a poorly conserved position in the protein, it is predicted to be benign by multiple in silico algorithms, and/or has population frequency not consistent with disease.